The following is an entry in ClinVar:

ClinVar aggregate classification (germline): Uncertain significance (1 of 4 stars; one submission).

Submission:

Women's Health and Genetics/Laboratory Corporation of America, LabCorp
Classification: Uncertain significance. Last evaluated: 2025-07-08. Review status: criteria provided, single submitter. Criteria: LabCorp Variant Classification Summary - May 2015. Collection method: clinical testing. Allele origin: germline.
Comment: Variant summary: GABRA5 c.466G>A (p.Glu156Lys) results in a conservative amino acid change in the encoded protein sequence. Algorithms developed to predict the effect of missense changes on protein structure and function are either unavailable or do not agree on the potential impact of this missense change. The variant allele was found at a frequency of 4e-06 in 248252 control chromosomes. The available data on variant occurrences in the general population are insufficient to allow any conclusion about variant significance. To our knowledge, no occurrence of c.466G>A in individuals affected with Developmental And Epileptic Encephalopathy, 79 and no experimental evidence demonstrating its impact on protein function have been reported. No submitters have cited clinical-significance assessments for this variant to ClinVar. Based on the evidence outlined above, the variant was classified as uncertain significance.

NM_000810.4(GABRA5):c.466G>A (p.Glu156Lys)

Gene: GABRA5 (gamma-aminobutyric acid type A receptor subunit alpha5; plus strand). Cytogenetic location: 15q12.
Variant type: single nucleotide variant.
Coding change: c.466G>A on transcript NM_000810.4 (MANE Select); coding-DNA position 466, G replaced by A.
Protein change: p.Glu156Lys; replaces glutamic acid 156 with lysine.
Molecular consequence: missense variant.
Genome position (GRCh38, 1-based): chr15:26,883,526, G>A. VCF-style: chr15-26883526-G-A. GRCh37 (hg19) VCF-style: chr15-27128673-G-A.
Other names: c.466G>A, p.Glu156Lys (NM_001165037.2); short protein forms E156K.
Identifiers: ClinVar variation 4526091 (VCV004526091.1).